The following is an entry in ClinVar:

ClinVar aggregate classification (germline): Uncertain significance. Review status: criteria provided, multiple submitters, no conflicts (2 of 4 stars). 2 submissions from 2 submitters: Uncertain significance (2). Last evaluated 2025-07-12.

Conditions:
Inborn genetic diseases. Identifiers: MedGen C0950123, MeSH D030342.

Submissions (2):

Quest Diagnostics Nichols Institute San Juan Capistrano
Classification: Uncertain significance. Last evaluated: 2025-07-12. Review status: criteria provided, single submitter. Criteria: Quest Diagnostics criteria. Collection method: clinical testing. Allele origin: unknown.
Comment: The FANCA c.3692A>G (p.His1231Arg) variant has been reported in the published literature in an individual with endometrial cancer (PMID: 36497135 (2022)). This variant has not been reported in large, multi-ethnic general populations (Genome Aggregation Database). Analysis of this variant using bioinformatics tools for the prediction of the effect of amino acid changes on protein structure and function yielded conflicting predictions that this variant is deleterious or benign. Based on the available information, we are unable to determine the clinical significance of this variant.

Ambry Genetics
Classification: Uncertain significance for Inborn genetic diseases. Last evaluated: 2025-06-21. Review status: criteria provided, single submitter. Criteria: Ambry Variant Classification Scheme 2023. Collection method: clinical testing. Allele origin: germline.
Comment: The p.H1231R variant (also known as c.3692A>G), located in coding exon 37 of the FANCA gene, results from an A to G substitution at nucleotide position 3692. The histidine at codon 1231 is replaced by arginine, an amino acid with highly similar properties. This amino acid position is conserved. In addition, the in silico prediction for this alteration is inconclusive. Based on the available evidence, the clinical significance of this variant remains unclear.

Literature cited by the submitters: PubMed 36497135 (cited by Quest Diagnostics Nichols Institute San Juan Capistrano).

NM_000135.4(FANCA):c.3692A>G (p.His1231Arg)

Gene: FANCA (FA complementation group A; minus strand). Cytogenetic location: 16q24.3.
Variant type: single nucleotide variant.
Coding change: c.3692A>G on transcript NM_000135.4 (MANE Select); coding-DNA position 3692, A replaced by G.
Protein change: p.His1231Arg; replaces histidine 1231 with arginine.
Molecular consequence: missense variant.
Genome position (GRCh38, 1-based): chr16:89,742,873, T>C on the plus strand (A>G on the coding strand, the complement: FANCA is on the minus strand). VCF-style: chr16-89742873-T-C. GRCh37 (hg19) VCF-style: chr16-89809281-T-C.
Other names: c.3692A>G (NM_000135.3); c.3692A>G, p.His1231Arg (NM_001286167.3); short protein forms H1231R.
Identifiers: ClinVar variation 4254141 (VCV004254141.2).